The following is an entry in ClinVar:

NM_003705.5(SLC25A12):c.1370C>G (p.Ala457Gly)

Gene: SLC25A12 (solute carrier family 25 member 12; minus strand). Cytogenetic location: 2q31.1.
Variant type: single nucleotide variant.
Coding change: c.1370C>G on transcript NM_003705.5 (MANE Select); coding-DNA position 1370, C replaced by G.
Protein change: p.Ala457Gly; replaces alanine 457 with glycine.
Molecular consequence: missense variant. On other transcripts: non-coding transcript variant (1).
Genome position (GRCh38, 1-based): chr2:171,793,703, G>C on the plus strand (C>G on the coding strand, the complement: SLC25A12 is on the minus strand). VCF-style: chr2-171793703-G-C. GRCh37 (hg19) VCF-style: chr2-172650213-G-C.
Other names: short protein forms A457G.
Identifiers: ClinVar variation 2651545 (VCV002651545.24), dbSNP rs2545159976, ClinGen allele CA349289502.

ClinVar aggregate classification (germline): Uncertain significance (1 of 4 stars; one submission).

Submission:

CeGaT Center for Human Genetics Tuebingen
Classification: Uncertain significance. Last evaluated: 2022-11-01. Review status: criteria provided, single submitter. Criteria: CeGaT Center For Human Genetics Tuebingen Variant Classification Criteria Version 2. Collection method: clinical testing. Allele origin: germline. Affected: yes. Observed: 1 variant allele.
Comment: SLC25A12: PM2, PP3